The following is an entry in ClinVar:

ClinVar aggregate classification (germline): Likely benign. Review status: criteria provided, multiple submitters, no conflicts (2 of 4 stars). 4 submissions from 4 submitters: Likely benign (4). Last evaluated 2025-07-14.

Conditions:
TTC21B-related disorder. Also called: TTC21B-related condition; TTC21B-related disorders.
Asphyxiating thoracic dystrophy 4 (SRTD4). Also called: SHORT-RIB THORACIC DYSPLASIA 4 WITH OR WITHOUT POLYDACTYLY; SHORT-RIB THORACIC DYSPLASIA 4. Identifiers: Orphanet 474, MedGen C3151185, MONDO:0013441, OMIM 613819.
Nephronophthisis 12 (NPHP12). Identifiers: Orphanet 655, MedGen C3151186, MONDO:0013442, OMIM 613820.
Jeune thoracic dystrophy. Also called: Jeune syndrome; Infantile thoracic dystrophy; Thoracic pelvic phalangeal dystrophy; Jeune's syndrome; Chondroectodermal dysplasia-like syndrome; Short-rib thoracic dysplasia. Identifiers: Orphanet 474, MedGen C0265275, MONDO:0018770.
Nephronophthisis. Also called: Juvenile Nephronophthisis. Identifiers: Orphanet 655, MedGen C0687120, MONDO:0019005, HP:0000090.

Allele frequency attached by ClinVar (database versions not stated): gnomAD exomes 0.00004; gnomAD 0.00005; TOPMed 0.00005; ExAC 0.00007; ESP Exome Variant Server 0.00008.
gnomAD v4.1: 49 of 1,609,018 alleles (0.003%); highest among the groups gnomAD compares: Middle Eastern, 0.017%; no homozygotes.

Submissions (4):

Labcorp Genetics (formerly Invitae), Labcorp
Classification: Likely benign for Jeune thoracic dystrophy; Nephronophthisis. Last evaluated: 2025-07-14. Review status: criteria provided, single submitter. Criteria: Invitae Variant Classification Sherloc (09022015). Collection method: clinical testing. Allele origin: germline.

PreventionGenetics, part of Exact Sciences
Classification: Likely benign for TTC21B-related condition. Last evaluated: 2025-07-11. Review status: criteria provided, single submitter. Criteria: ACMG Guidelines, 2015. Collection method: clinical testing. Allele origin: germline.
Comment: This variant is classified as likely benign based on ACMG/AMP sequence variant interpretation guidelines (Richards et al. 2015 PMID: 25741868, with internal and published modifications).

Blueprint Genetics
Classification: Likely benign. Last evaluated: 2024-07-17. Review status: criteria provided, single submitter. Criteria: ACMG Guidelines, 2015. Collection method: clinical testing. Allele origin: germline.

Fulgent Genetics
Classification: Likely benign for Asphyxiating thoracic dystrophy 4; Nephronophthisis 12. Last evaluated: 2021-12-04. Review status: criteria provided, single submitter. Criteria: ACMG Guidelines, 2015. Collection method: clinical testing. Allele origin: unknown.

NM_024753.5(TTC21B):c.2951-4C>T

Gene: TTC21B (tetratricopeptide repeat domain 21B; minus strand). Cytogenetic location: 2q24.3.
Variant type: single nucleotide variant.
Coding change: c.2951-4C>T on transcript NM_024753.5 (MANE Select); 4 bases into the intron before coding-DNA position 2951, C replaced by T.
Molecular consequence: intron variant.
Genome position (GRCh38, 1-based): chr2:165,890,992, G>A on the plus strand (C>T on the coding strand, the complement: TTC21B is on the minus strand). VCF-style: chr2-165890992-G-A. GRCh37 (hg19) VCF-style: chr2-166747502-G-A.
Other names: c.2951-4C>T (NM_024753.4).
Identifiers: ClinVar variation 1529772 (VCV001529772.11), dbSNP rs369065819, ClinGen allele CA1941632.